The following is an entry in ClinVar:

ClinVar aggregate classification (germline): Benign/Likely benign. Review status: criteria provided, multiple submitters, no conflicts (2 of 4 stars). 3 submissions from 3 submitters: Benign (1); Likely benign (2). Last evaluated 2026-05-18.

Conditions:
Neurofibromatosis, type 1 (NF1). Also called: Peripheral type neurofibromatosis; Neurofibromatosis, type I; VON RECKLINGHAUSEN DISEASE; NEUROFIBROMATOSIS, TYPE I, SOMATIC. Identifiers: Orphanet 636, MedGen C0027831, MONDO:0018975, OMIM 162200. Disease mechanism: loss of function.
Hereditary cancer-predisposing syndrome. Also called: Hereditary neoplastic syndrome; Neoplastic Syndromes, Hereditary; Hereditary Cancer Syndrome; Tumor predisposition. Identifiers: Orphanet 140162, MedGen C0027672, MeSH D009386, MONDO:0015356.
Cardiovascular phenotype. Identifiers: MedGen CN230736.

Submissions (3):

Myriad Genetics, Inc.
Classification: Benign for Neurofibromatosis, type 1. Last evaluated: 2026-05-18. Review status: criteria provided, single submitter. Criteria: Myriad Autosomal Dominant, Autosomal Recessive and X-Linked Classification Criteria (2023). Collection method: clinical testing. Allele origin: unknown.
Comment: This variant is considered benign. This variant is a silent/synonymous amino acid change and it is not expected to impact splicing.

Labcorp Genetics (formerly Invitae), Labcorp
Classification: Likely benign for Neurofibromatosis, type 1. Last evaluated: 2026-02-03. Review status: criteria provided, single submitter. Criteria: Invitae Variant Classification Sherloc (09022015). Collection method: clinical testing. Allele origin: germline.

Ambry Genetics
Classification: Likely benign for Cardiovascular phenotype; Hereditary cancer-predisposing syndrome. Last evaluated: 2017-11-21. Review status: criteria provided, single submitter. Criteria: Ambry Variant Classification Scheme 2023. Collection method: clinical testing. Allele origin: germline.

NM_001042492.3(NF1):c.2754G>A (p.Lys918=)

Gene: NF1 (neurofibromin 1; plus strand). Cytogenetic location: 17q11.2.
Variant type: single nucleotide variant.
Coding change: c.2754G>A on transcript NM_001042492.3 (MANE Select); coding-DNA position 2754, G replaced by A.
Protein change: p.Lys918=; no amino-acid change (lysine 918 retained).
Molecular consequence: synonymous variant.
Genome position (GRCh38, 1-based): chr17:31,229,369, G>A. VCF-style: chr17-31229369-G-A. GRCh37 (hg19) VCF-style: chr17-29556387-G-A.
Other names: c.2754G>A, p.Lys918= (NM_000267.4).
Identifiers: ClinVar variation 457599 (VCV000457599.8), dbSNP rs1555614330, ClinGen allele CA499228693.